The following is an entry in ClinVar:

ClinVar aggregate classification (germline): Uncertain significance. Review status: criteria provided, multiple submitters, no conflicts (2 of 4 stars). 3 submissions from 3 submitters: Uncertain significance (3). Last evaluated 2025-05-28.

Conditions:
Hereditary diffuse gastric adenocarcinoma (HDGC). Also called: DIFFUSE GASTRIC AND LOBULAR BREAST CANCER SYNDROME. Identifiers: Orphanet 26106, MedGen C1708349, MONDO:0007648, OMIM 137215.
Familial cancer of breast. Also called: hereditary breast carcinoma; BREAST CANCER, FAMILIAL; Hereditary breast cancer. Identifiers: Orphanet 227535, MedGen C0346153, MONDO:0016419, OMIM 114480. Disease mechanism: loss of function.
Hereditary cancer-predisposing syndrome. Also called: Hereditary neoplastic syndrome; Neoplastic Syndromes, Hereditary; Tumor predisposition; Hereditary Cancer Syndrome. Identifiers: Orphanet 140162, MedGen C0027672, MeSH D009386, MONDO:0015356.

Submissions (3):

Labcorp Genetics (formerly Invitae), Labcorp
Classification: Uncertain significance for Hereditary diffuse gastric adenocarcinoma. Last evaluated: 2025-05-28. Review status: criteria provided, single submitter. Criteria: Invitae Variant Classification Sherloc (09022015). Collection method: clinical testing. Allele origin: germline.
Comment: This sequence change replaces tryptophan, which is neutral and slightly polar, with arginine, which is basic and polar, at codon 865 of the CDH1 protein (p.Trp865Arg). This variant is not present in population databases (gnomAD no frequency). This variant has not been reported in the literature in individuals affected with CDH1-related conditions. ClinVar contains an entry for this variant (Variation ID: 1004709). An algorithm developed to predict the effect of missense changes on protein structure and function (PolyPhen-2) suggests that this variant is likely to be disruptive. In summary, the available evidence is currently insufficient to determine the role of this variant in disease. Therefore, it has been classified as a Variant of Uncertain Significance.

Ambry Genetics
Classification: Uncertain significance for Hereditary cancer-predisposing syndrome. Last evaluated: 2025-01-06. Review status: criteria provided, single submitter. Criteria: Ambry Variant Classification Scheme 2023. Collection method: clinical testing. Allele origin: germline.
Comment: The p.W865R variant (also known as c.2593T>C), located in coding exon 16 of the CDH1 gene, results from a T to C substitution at nucleotide position 2593. The tryptophan at codon 865 is replaced by arginine, an amino acid with dissimilar properties. This amino acid position is highly conserved in available vertebrate species. In addition, this alteration is predicted to be deleterious by in silico analysis. Based on the available evidence, the clinical significance of this variant remains unclear.

Baylor Genetics
Classification: Uncertain significance for Familial cancer of breast. Last evaluated: 2023-06-21. Review status: criteria provided, single submitter. Criteria: ACMG Guidelines, 2015. Collection method: clinical testing. Allele origin: unknown.

NM_004360.5(CDH1):c.2593T>C (p.Trp865Arg)

Gene: CDH1 (cadherin 1; plus strand). Cytogenetic location: 16q22.1.
Variant type: single nucleotide variant.
Coding change: c.2593T>C on transcript NM_004360.5 (MANE Select); coding-DNA position 2593, T replaced by C.
Protein change: p.Trp865Arg; replaces tryptophan 865 with arginine.
Molecular consequence: missense variant.
Genome position (GRCh38, 1-based): chr16:68,833,443, T>C. VCF-style: chr16-68833443-T-C. GRCh37 (hg19) VCF-style: chr16-68867346-T-C.
Other names: c.2410T>C, p.Trp804Arg (NM_001317184.2); c.1045T>C, p.Trp349Arg (NM_001317185.2); c.628T>C, p.Trp210Arg (NM_001317186.2); short protein forms W210R, W349R, W804R, W865R.
Identifiers: ClinVar variation 1004709 (VCV001004709.13), dbSNP rs1555518267, ClinGen allele CA396472620.